The following is an entry in ClinVar:

ClinVar aggregate classification (germline): Uncertain significance. Review status: criteria provided, multiple submitters, no conflicts (2 of 4 stars). 2 submissions from 2 submitters: Uncertain significance (2). Last evaluated 2024-11-09.

Conditions:
Inborn genetic diseases. Identifiers: MedGen C0950123, MeSH D030342.

Allele frequency attached by ClinVar (database versions not stated): ExAC 0.00002.
gnomAD v4.1: 22 of 1,614,048 alleles (0.0014%); highest among the groups gnomAD compares: South Asian, 0.0066%; no homozygotes.

Submissions (2):

GeneDx
Classification: Uncertain significance. Last evaluated: 2024-11-09. Review status: criteria provided, single submitter. Criteria: GeneDx Variant Classification Process June 2021. Collection method: clinical testing. Allele origin: germline. Affected: yes.
Comment: Not observed at significant frequency in large population cohorts (gnomAD); In silico analysis indicates that this missense variant does not alter protein structure/function; Has not been previously published as pathogenic or benign to our knowledge

Ambry Genetics
Classification: Uncertain significance for Inborn genetic diseases. Last evaluated: 2024-01-04. Review status: criteria provided, single submitter. Criteria: Ambry Variant Classification Scheme 2023. Collection method: clinical testing. Allele origin: germline.

NM_006096.4(NDRG1):c.271G>A (p.Val91Ile)

Gene: NDRG1 (N-myc downstream regulated 1; minus strand). Cytogenetic location: 8q24.22.
Variant type: single nucleotide variant.
Coding change: c.271G>A on transcript NM_006096.4 (MANE Select); coding-DNA position 271, G replaced by A.
Protein change: p.Val91Ile; replaces valine 91 with isoleucine.
Molecular consequence: missense variant.
Genome position (GRCh38, 1-based): chr8:133,262,102, C>T on the plus strand (G>A on the coding strand, the complement: NDRG1 is on the minus strand). VCF-style: chr8-133262102-C-T. GRCh37 (hg19) VCF-style: chr8-134274345-C-T.
Other names: c.271G>A, p.Val91Ile (NM_001135242.2, NM_001374844.1, NM_001374845.1 and 1 more transcripts); c.73G>A, p.Val25Ile (NM_001258432.2, NM_001374847.1); c.28G>A, p.Val10Ile (NM_001258433.2); short protein forms V10I, V25I, V91I.
Identifiers: ClinVar variation 1795176 (VCV001795176.3), dbSNP rs781433633, ClinGen allele CA4886837.